The following is an entry in ClinVar:

NM_017671.5(FERMT1):c.*1155T>C

Gene: FERMT1 (FERM domain containing kindlin 1; minus strand). Cytogenetic location: 20p12.3.
Variant type: single nucleotide variant.
Coding change: c.*1155T>C on transcript NM_017671.5 (MANE Select); 1155 bases downstream of the stop codon, T replaced by C.
Molecular consequence: 3 prime UTR variant.
Genome position (GRCh38, 1-based): chr20:6,076,018, A>G on the plus strand (T>C on the coding strand, the complement: FERMT1 is on the minus strand). VCF-style: chr20-6076018-A-G. GRCh37 (hg19) VCF-style: chr20-6056665-A-G.
Identifiers: ClinVar variation 339186 (VCV000339186.6), dbSNP rs6139909, ClinGen allele CA10644307.

ClinVar aggregate classification (germline): Benign. Review status: criteria provided, multiple submitters, no conflicts (2 of 4 stars). 2 submissions from 2 submitters: Benign (2). Last evaluated 2018-01-12.

Conditions:
Kindler syndrome (KNDLRS). Also called: BULLOUS ACROKERATOTIC POIKILODERMA OF KINDLER AND WEARY; POIKILODERMA, CONGENITAL, WITH BULLAE, WEARY TYPE; POIKILODERMA, HEREDITARY ACROKERATOTIC; Hereditary acrokeratotic poikiloderma of Weary; Poikiloderma of Kindler; Congenital bullous poikiloderma. Identifiers: Orphanet 2908, Orphanet 306539, MedGen C0406557, MONDO:0008260, OMIM 173650.

Allele frequency attached by ClinVar (database versions not stated): 1000 Genomes Project 0.13119; 1000 Genomes Project 30x 0.13429; gnomAD 0.14138 and 0.14139; TOPMed 0.14189; gnomAD exomes 0.14976.

Submissions (2):

Illumina Laboratory Services, Illumina
Classification: Benign for Kindler syndrome. Last evaluated: 2018-01-12. Review status: criteria provided, single submitter. Criteria: ICSL Variant Classification Criteria 13 December 2019. Collection method: clinical testing. Allele origin: germline.
Comment: This variant was observed in the ICSL laboratory as part of a predisposition screen in an ostensibly healthy population. It had not been previously curated by ICSL or reported in the Human Gene Mutation Database (HGMD: prior to June 1st, 2018), and was therefore a candidate for classification through an automated scoring system. Utilizing variant allele frequency, disease prevalence and penetrance estimates, and inheritance mode, an automated score was calculated to assess if this variant is too frequent to cause the disease. Based on the score and internal cut-off values, a variant classified as benign is not then subjected to further curation. The score for this variant resulted in a classification of benign for this disease.

Breakthrough Genomics
Classification: Benign. Review status: criteria provided, single submitter. Criteria: ACMG Guidelines, 2015. Collection method: not provided. Allele origin: germline. Inheritance: Autosomal recessive inheritance. Affected: yes.